The following is an entry in ClinVar:

NM_001365536.1(SCN9A):c.3024del (p.Glu1008fs)

Genes: SCN1A-AS1 (SCN1A and SCN9A antisense RNA 1; plus strand), SCN9A (sodium voltage-gated channel alpha subunit 9; minus strand). Cytogenetic location: 2q24.3.
Variant type: Deletion.
Coding change: c.3024del on transcript NM_001365536.1 (MANE Select); coding-DNA position 3024, one base deleted (A; older notation c.3024delA).
Protein change: p.Glu1008fs; shifts the reading frame from glutamic acid 1008.
Molecular consequence: frameshift variant.
Genome position (GRCh38, 1-based): chr2:166,272,726, T deleted on the plus strand (A on the coding strand, the reverse complement: SCN9A is on the minus strand); the first of 2 consecutive T bases (chr2:166,272,726-166,272,727); deleting either gives the same sequence. VCF-style (leftmost placement, unchanged base first): chr2-166272725-AT-A. GRCh37 (hg19) VCF-style: chr2-167129235-AT-A.
Other names: c.2991del, p.Glu997fs (NM_002977.4); short protein forms E997fs, E1008fs.
Identifiers: ClinVar variation 4790849 (VCV004790849.1).

ClinVar aggregate classification (germline): Pathogenic (1 of 4 stars; one submission).

Conditions:
Neuropathy, hereditary sensory and autonomic, type 2A (HSAN2A). Also called: ACROOSTEOLYSIS, GIACCAI TYPE; ACROOSTEOLYSIS, NEUROGENIC; MORVAN DISEASE; NEUROPATHY, CONGENITAL SENSORY; NEUROPATHY, HEREDITARY SENSORY RADICULAR, AUTOSOMAL RECESSIVE; NEUROPATHY, HEREDITARY SENSORY, TYPE IIA. Identifiers: Orphanet 970, MedGen C2752089, MONDO:0024309, OMIM 201300.
Generalized epilepsy with febrile seizures plus, type 7 (GEFSP7). Also called: GEFS+, TYPE 7. Identifiers: Orphanet 36387, MedGen C2751778, MONDO:0013470, OMIM 613863.

Submission:

Labcorp Genetics (formerly Invitae), Labcorp
Classification: Pathogenic for Neuropathy, hereditary sensory and autonomic, type 2A; Generalized epilepsy with febrile seizures plus, type 7. Last evaluated: 2025-09-21. Review status: criteria provided, single submitter. Criteria: Invitae Variant Classification Sherloc (09022015). Collection method: clinical testing. Allele origin: germline.
Comment: This sequence change creates a premature translational stop signal (p.Glu997Aspfs*4) in the SCN9A gene. It is expected to result in an absent or disrupted protein product. Loss-of-function variants in SCN9A are known to be pathogenic (PMID: 17470132, 19304393). This variant is not present in population databases (gnomAD no frequency). This variant has not been reported in the literature in individuals affected with SCN9A-related conditions. Algorithms developed to predict the effect of sequence changes on RNA splicing suggest that this variant may disrupt the consensus splice site. For these reasons, this variant has been classified as Pathogenic.

Literature cited by the submitters: PubMed 17470132; PubMed 19304393.